The following is an entry in ClinVar:

NM_004304.5(ALK):c.952+4A>G

Gene: ALK (ALK receptor tyrosine kinase; minus strand). Cytogenetic location: 2p23.2.
Variant type: single nucleotide variant.
Coding change: c.952+4A>G on transcript NM_004304.5 (MANE Select); 4 bases into the intron after coding-DNA position 952, A replaced by G.
Molecular consequence: intron variant.
Genome position (GRCh38, 1-based): chr2:29,694,846, T>C on the plus strand (A>G on the coding strand, the complement: ALK is on the minus strand). VCF-style: chr2-29694846-T-C. GRCh37 (hg19) VCF-style: chr2-29917712-T-C.
Identifiers: ClinVar variation 1908244 (VCV001908244.5), dbSNP rs2148289552, ClinGen allele CA2580066339.

ClinVar aggregate classification (germline): Uncertain significance (1 of 4 stars; one submission).

Conditions:
Neuroblastoma, susceptibility to, 3. Also called: ALK-Related Neuroblastic Tumor Susceptibility. Identifiers: Orphanet 635, MedGen C2751681, MONDO:0013083, OMIM 613014.

Submission:

Labcorp Genetics (formerly Invitae), Labcorp
Classification: Uncertain significance for Neuroblastoma, susceptibility to, 3. Last evaluated: 2022-10-13. Review status: criteria provided, single submitter. Criteria: Invitae Variant Classification Sherloc (09022015). Collection method: clinical testing. Allele origin: germline.
Comment: In summary, the available evidence is currently insufficient to determine the role of this variant in disease. Therefore, it has been classified as a Variant of Uncertain Significance. Variants that disrupt the consensus splice site are a relatively common cause of aberrant splicing (PMID: 17576681, 9536098). Algorithms developed to predict the effect of sequence changes on RNA splicing suggest that this variant is not likely to affect RNA splicing. This variant has not been reported in the literature in individuals affected with ALK-related conditions. This variant is not present in population databases (gnomAD no frequency). This sequence change falls in intron 3 of the ALK gene. It does not directly change the encoded amino acid sequence of the ALK protein. It affects a nucleotide within the consensus splice site.

Literature cited by the submitters: PubMed 17576681; PubMed 9536098.